The following is an entry in ClinVar:

ClinVar aggregate classification (germline): Pathogenic/Likely pathogenic. Review status: criteria provided, multiple submitters, no conflicts (2 of 4 stars). 5 submissions from 5 submitters: Pathogenic (1); Likely pathogenic (2). 2 of the submissions do not count toward it. Last evaluated 2025-08-08.

Conditions:
Dyskeratosis congenita, autosomal recessive 5 (DKCB5). Identifiers: MedGen C3554656, MONDO:0014076, OMIM 615190.
Pulmonary fibrosis and/or bone marrow failure, Telomere-related, 3. Also called: PULMONARY FIBROSIS AND/OR BONE MARROW FAILURE SYNDROME, TELOMERE-RELATED, 3. Identifiers: Orphanet 2032, MedGen C4225346, MONDO:0014613, OMIM 616373.
Pulmonary fibrosis. Identifiers: MedGen C0034069, MONDO:0002771, HP:0002206.
Dyskeratosis congenita. Identifiers: Orphanet 1775, MedGen C0265965, MONDO:0015780.
Acute myeloid leukemia (AML). Also called: Leukemia, acute myeloid, somatic; Leukemia, acute myelogenous, somatic; Acute myeloid leukemia, adult; AML adult; Acute non-lymphocytic leukemia; Acute granulocytic leukemia. Identifiers: Orphanet 519, MedGen C0023467, MeSH D015470, MONDO:0018874, OMIM 601626, HP:0004808. Disease mechanism: Constitutively activated FLT3.

Allele frequency attached by ClinVar (database versions not stated): gnomAD exomes below 0.00001.
gnomAD v4.1: 1 of 1,607,364 alleles (0.000062%); highest among the groups gnomAD compares: Non-Finnish European, 0.000085%; no homozygotes.

Submissions (5):

Natera, Inc.
Classification: Likely pathogenic for Dyskeratosis congenita. Last evaluated: 2025-08-08. Review status: criteria provided, single submitter. Criteria: Natera Variant Classification Schema (03/2026). Collection method: clinical testing. Allele origin: germline.
Comment: The c.1207+1G>A variant in RTEL1 is a canonical splice donor site variant predicted to affect pre-mRNA splicing, which may result in an abnormal transcript and altered protein product. This variant is expected to result in nonsense mediated decay, truncation, or a dysfunctional protein product. This variant is rare in the general population with a frequency below the threshold expected for the associated phenotype(s). Given the available evidence, this variant is classified as Likely Pathogenic.

Labcorp Genetics (formerly Invitae), Labcorp
Classification: Likely pathogenic for Dyskeratosis congenita, autosomal recessive 5; Pulmonary fibrosis and/or bone marrow failure, Telomere-related, 3. Last evaluated: 2023-05-09. Review status: criteria provided, single submitter. Criteria: Invitae Variant Classification Sherloc (09022015). Collection method: clinical testing. Allele origin: germline.
Comment: ClinVar contains an entry for this variant (Variation ID: 436599). This sequence change affects a donor splice site in intron 13 of the RTEL1 gene. It is expected to disrupt RNA splicing. Variants that disrupt the donor or acceptor splice site typically lead to a loss of protein function (PMID: 16199547), and loss-of-function variants in RTEL1 are known to be pathogenic (PMID: 23453664, 23959892, 25607374). This variant is not present in population databases (gnomAD no frequency). This variant has not been reported in the literature in individuals affected with RTEL1-related conditions. Algorithms developed to predict the effect of sequence changes on RNA splicing suggest that this variant may disrupt the consensus splice site. In summary, the currently available evidence indicates that the variant is pathogenic, but additional data are needed to prove that conclusively. Therefore, this variant has been classified as Likely Pathogenic.

Godley laboratory, The University of Chicago
Classification: Pathogenic for Acute myeloid leukemia. Last evaluated: 2020-05-16. Review status: criteria provided, single submitter. Criteria: ACMG Guidelines, 2015. Collection method: clinical testing. Allele origin: germline. Inheritance: Autosomal dominant inheritance. Affected: yes. Observed: 1 heterozygote.
Comment: The telomere length in lymphocytes was below the 1st percentile. The following ACMG/AMP criteria were used: PVS1 (canonical splice site variant undergoing NMD), PS4_supporting, PM2.

Garcia Pulmonary Genetics Research Laboratory, Columbia University Irving Medical Center
Classification: Pathogenic for Pulmonary fibrosis. Last evaluated: 2022-06-09. Review status: no assertion criteria provided. Collection method: research. Allele origin: germline. Affected: yes. Not counted in ClinVar's aggregate classification.
Comment: Leukocyte telomere length (by qPCR) less than 10th percentile age-adjusted

Genetic Services Laboratory, University of Chicago
Classification: Pathogenic for Dyskeratosis congenita. Last evaluated: 2017-12-12. Review status: no assertion criteria provided. Collection method: clinical testing. Allele origin: germline. Affected: yes. Not counted in ClinVar's aggregate classification.
Comment: DNA sequence analysis of the RTEL1 gene demonstrated a sequence change in the canonical splice donor site of intron 13, c.1207+1G>A (NM_032957.4). This sequence change does not appear to have been previously described in patients with RTEL1-related diseases and has also not been described as a known benign sequence change in the RTEL1 gene. This pathogenic sequence change is predicted to affect normal splicing of the RTEL1 gene and result in an abnormal protein.

Literature cited by the submitters: PubMed 16199547 (cited by Labcorp Genetics (formerly Invitae), Labcorp); PubMed 23453664 (cited by Labcorp Genetics (formerly Invitae), Labcorp); PubMed 23959892 (cited by Labcorp Genetics (formerly Invitae), Labcorp); PubMed 25607374 (cited by Labcorp Genetics (formerly Invitae), Labcorp).

NM_001283009.2(RTEL1):c.1135+1G>A

Genes: RTEL1-TNFRSF6B (RTEL1-TNFRSF6B readthrough (NMD candidate); plus strand), RTEL1 (regulator of telomere elongation helicase 1; plus strand). Cytogenetic location: 20q13.33.
Variant type: single nucleotide variant.
Coding change: c.1135+1G>A on transcript NM_001283009.2 (MANE Select); the canonical splice donor site of the intron after coding-DNA position 1135, G replaced by A.
Molecular consequence: splice donor variant.
Genome position (GRCh38, 1-based): chr20:63,679,947, G>A. VCF-style: chr20-63679947-G-A. GRCh37 (hg19) VCF-style: chr20-62311300-G-A.
Other names: c.466+1G>A (NM_001283010.1); c.1207+1G>A (NM_032957.5); c.1135+1G>A (NM_016434.4).
Identifiers: ClinVar variation 436599 (VCV000436599.40), dbSNP rs1555903332, ClinGen allele CA409674081.